The following is an entry in ClinVar:

NM_014727.3(KMT2B):c.7733G>C (p.Gly2578Ala)

Gene: KMT2B (lysine methyltransferase 2B; plus strand). Cytogenetic location: 19q13.12.
Variant type: single nucleotide variant.
Coding change: c.7733G>C on transcript NM_014727.3 (MANE Select); coding-DNA position 7733, G replaced by C.
Protein change: p.Gly2578Ala; replaces glycine 2578 with alanine.
Molecular consequence: missense variant.
Genome position (GRCh38, 1-based): chr19:35,737,933, G>C. VCF-style: chr19-35737933-G-C. GRCh37 (hg19) VCF-style: chr19-36228834-G-C.
Other names: short protein forms G2578A.
Identifiers: ClinVar variation 4686784 (VCV004686784.1).

ClinVar aggregate classification (germline): Uncertain significance (1 of 4 stars; one submission).

Submission:

GeneDx
Classification: Uncertain significance. Last evaluated: 2025-07-17. Review status: criteria provided, single submitter. Criteria: GeneDx Variant Classification Process June 2021. Collection method: clinical testing. Allele origin: germline. Affected: yes.
Comment: Not observed at significant frequency in large population cohorts (gnomAD); In silico analysis supports that this missense variant has a deleterious effect on protein structure/function; Has not been previously published as pathogenic or benign to our knowledge